The following is an entry in ClinVar:

ClinVar aggregate classification (germline): Likely benign (1 of 4 stars; one submission).

Allele frequency attached by ClinVar (database versions not stated): gnomAD exomes 0.00012.

Submission:

CeGaT Center for Human Genetics Tuebingen
Classification: Likely benign. Last evaluated: 2022-04-01. Review status: criteria provided, single submitter. Criteria: CeGaT Center For Human Genetics Tuebingen Variant Classification Criteria Version 2. Collection method: clinical testing. Allele origin: germline. Affected: yes. Observed: 1 variant allele.
Comment: CEL: BP4, BP7

NM_001807.6(CEL):c.2097G>C (p.Gly699=)

Gene: CEL (carboxyl ester lipase; plus strand). Cytogenetic location: 9q34.13.
Variant type: single nucleotide variant.
Coding change: c.2097G>C on transcript NM_001807.6 (MANE Select); coding-DNA position 2097, G replaced by C.
Protein change: p.Gly699=; no amino-acid change (glycine 699 retained).
Molecular consequence: synonymous variant.
Genome position (GRCh38, 1-based): chr9:133,071,599, G>C. VCF-style: chr9-133071599-G-C. GRCh37 (hg19) VCF-style: chr9-135946986-G-C.
Identifiers: ClinVar variation 2659684 (VCV002659684.24), dbSNP rs1417999971, ClinGen allele CA467814788.
Genomic context (GRCh38, chr9:133,071,599, plus strand): 5'-CCCCGTGCCGCCCACGGGTGACTCCGGCGCCCCCCCCGTGCCGCCCACGGGTGACTCCGG[G>C]GCCCCCCCCGTGACCCCCACGGGTGACTCCGAGACCGCCCCCGTGCCGCCCACGGGTGAC-3'
Protein context (NP_001798.3, residues 689-709): APPVPPTGDS[Gly699=]APPVTPTGDS